The following is an entry in ClinVar:

ClinVar aggregate classification (germline): Uncertain significance. Review status: criteria provided, multiple submitters, no conflicts (2 of 4 stars). 2 submissions from 2 submitters: Uncertain significance (2). Last evaluated 2025-04-30.

Conditions:
Hereditary pulmonary alveolar proteinosis. Also called: Pulmonary surfactant metabolism dysfunction. Identifiers: Orphanet 264675, MedGen C3711368, MONDO:0012580.

gnomAD v4.1: 10 of 1,613,042 alleles (0.00062%); highest among the groups gnomAD compares: Admixed American, 0.0017%; no homozygotes.

Submissions (2):

Labcorp Genetics (formerly Invitae), Labcorp
Classification: Uncertain significance. Last evaluated: 2025-04-30. Review status: criteria provided, single submitter. Criteria: Invitae Variant Classification Sherloc (09022015). Collection method: clinical testing. Allele origin: germline.
Comment: This sequence change replaces histidine, which is basic and polar, with glutamine, which is neutral and polar, at codon 985 of the ABCA3 protein (p.His985Gln). This variant is present in population databases (no rsID available, gnomAD 0.003%). This variant has not been reported in the literature in individuals affected with ABCA3-related conditions. ClinVar contains an entry for this variant (Variation ID: 3099628). Invitae Evidence Modeling of protein sequence and biophysical properties (such as structural, functional, and spatial information, amino acid conservation, physicochemical variation, residue mobility, and thermodynamic stability) indicates that this missense variant is not expected to disrupt ABCA3 protein function with a negative predictive value of 80%. In summary, the available evidence is currently insufficient to determine the role of this variant in disease. Therefore, it has been classified as a Variant of Uncertain Significance.

Ambry Genetics
Classification: Uncertain significance for Hereditary pulmonary alveolar proteinosis. Last evaluated: 2024-01-04. Review status: criteria provided, single submitter. Criteria: Ambry Variant Classification Scheme 2023. Collection method: clinical testing. Allele origin: germline.

NM_001089.3(ABCA3):c.2955T>G (p.His985Gln)

Gene: ABCA3 (ATP binding cassette subfamily A member 3; minus strand). Cytogenetic location: 16p13.3.
Variant type: single nucleotide variant.
Coding change: c.2955T>G on transcript NM_001089.3 (MANE Select); coding-DNA position 2955, T replaced by G.
Protein change: p.His985Gln; replaces histidine 985 with glutamine.
Molecular consequence: missense variant.
Genome position (GRCh38, 1-based): chr16:2,288,075, A>C on the plus strand (T>G on the coding strand, the complement: ABCA3 is on the minus strand). VCF-style: chr16-2288075-A-C. GRCh37 (hg19) VCF-style: chr16-2338076-A-C.
Other names: short protein forms H985Q.
Identifiers: ClinVar variation 3099628 (VCV003099628.2), dbSNP rs750570163, ClinGen allele CA394323109.
Genomic context (GRCh38, chr16:2,288,075, plus strand): 5'-ATGCCCCTTACCGAGCACCTCGCGGGGCTCCTGTCCCTCAGCCTGCAGTGCGTCTTTCAG[A>C]TGCTCTGACAGCTGCTGACCCAGCTGGGAGGTCCCGGGAACTGAGAAGGGCACGACGGTT-3'
Protein context (NP_001080.2, residues 975-995): TSQLGQQLSE[His985Gln]LKDALQAEGQ